The following is an entry in ClinVar:

ClinVar aggregate classification (germline): Likely pathogenic (1 of 4 stars; one submission).

Conditions:
C5-related disorder. Also called: C5-related condition.

Submission:

PreventionGenetics, part of Exact Sciences
Classification: Likely pathogenic for C5-related condition. Last evaluated: 2026-04-24. Review status: criteria provided, single submitter. Criteria: ACMG Guidelines, 2015. Collection method: clinical testing. Allele origin: germline.
Comment: The C5 c.1125delT variant is predicted to result in a frameshift and premature protein termination (p.Asp377Ilefs*7). To our knowledge, this variant has not been reported in the literature or in a large population database (gnomAD), indicating this variant is rare. Frameshift variants in C5 are expected to be pathogenic. This variant is interpreted as likely pathogenic.

NM_001735.3(C5):c.1125del (p.Asp377fs)

Gene: C5 (complement C5; minus strand). Cytogenetic location: 9q33.2.
Variant type: Deletion.
Coding change: c.1125del on transcript NM_001735.3 (MANE Select); coding-DNA position 1125, one base deleted (T; older notation c.1125delT).
Protein change: p.Asp377fs; shifts the reading frame from aspartic acid 377.
Molecular consequence: frameshift variant.
Genome position (GRCh38, 1-based): chr9:121,021,686, A deleted on the plus strand (T on the coding strand, the reverse complement: C5 is on the minus strand); the first of 2 consecutive A bases (chr9:121,021,686-121,021,687); deleting either gives the same sequence. VCF-style (leftmost placement, unchanged base first): chr9-121021685-TA-T. GRCh37 (hg19) VCF-style: chr9-123783963-TA-T.
Other names: c.1143del, p.Asp383fs (NM_001317163.2); c.1125del, p.Asp377fs (NM_001317164.2); c.1125delT (NM_001735.2); short protein forms D377fs, D383fs.
Identifiers: ClinVar variation 4994963 (VCV004994963.1).